The following is an entry in ClinVar:

NM_033026.6(PCLO):c.375G>T (p.Leu125Phe)

Gene: PCLO (piccolo presynaptic cytomatrix protein; minus strand). Cytogenetic location: 7q21.11.
Variant type: single nucleotide variant.
Coding change: c.375G>T on transcript NM_033026.6 (MANE Select); coding-DNA position 375, G replaced by T.
Protein change: p.Leu125Phe; replaces leucine 125 with phenylalanine.
Molecular consequence: missense variant.
Genome position (GRCh38, 1-based): chr7:83,156,266, C>A on the plus strand (G>T on the coding strand, the complement: PCLO is on the minus strand). VCF-style: chr7-83156266-C-A. GRCh37 (hg19) VCF-style: chr7-82785582-C-A.
Other names: c.375G>T, p.Leu125Phe (NM_014510.3); short protein forms L125F.
Identifiers: ClinVar variation 1377184 (VCV001377184.6), dbSNP rs2116693900, ClinGen allele CA367921371.

ClinVar aggregate classification (germline): Uncertain significance (1 of 4 stars; one submission).

Submission:

Labcorp Genetics (formerly Invitae), Labcorp
Classification: Uncertain significance. Last evaluated: 2021-08-23. Review status: criteria provided, single submitter. Criteria: Invitae Variant Classification Sherloc (09022015). Collection method: clinical testing. Allele origin: germline.
Comment: Algorithms developed to predict the effect of missense changes on protein structure and function are either unavailable or do not agree on the potential impact of this missense change (SIFT: "Tolerated"; PolyPhen-2: "Not Available"; Align-GVGD: "Class C0"). In summary, the available evidence is currently insufficient to determine the role of this variant in disease. Therefore, it has been classified as a Variant of Uncertain Significance. This variant has not been reported in the literature in individuals affected with PCLO-related conditions. This variant is not present in population databases (ExAC no frequency). This sequence change replaces leucine with phenylalanine at codon 125 of the PCLO protein (p.Leu125Phe). The leucine residue is weakly conserved and there is a small physicochemical difference between leucine and phenylalanine.